The following is an entry in ClinVar:

NM_018136.5(ASPM):c.1931T>A (p.Ile644Lys)

Gene: ASPM (assembly factor for spindle microtubules; minus strand). Cytogenetic location: 1q31.3.
Variant type: single nucleotide variant.
Coding change: c.1931T>A on transcript NM_018136.5 (MANE Select); coding-DNA position 1931, T replaced by A.
Protein change: p.Ile644Lys; replaces isoleucine 644 with lysine.
Molecular consequence: missense variant.
Genome position (GRCh38, 1-based): chr1:197,139,862, A>T on the plus strand (T>A on the coding strand, the complement: ASPM is on the minus strand). VCF-style: chr1-197139862-A-T. GRCh37 (hg19) VCF-style: chr1-197108992-A-T.
Other names: c.1931T>A, p.Ile644Lys (NM_001206846.2); short protein forms I644K.
Identifiers: ClinVar variation 1029516 (VCV001029516.8), dbSNP rs759534488, ClinGen allele CA1310607.

ClinVar aggregate classification (germline): Uncertain significance. Review status: criteria provided, multiple submitters, no conflicts (2 of 4 stars). 5 submissions from 5 submitters: Uncertain significance (5). Last evaluated 2024-11-08.

Conditions:
Microcephaly 5, primary, autosomal recessive (MCPH5). Also called: ASPM Primary Microcephaly. Identifiers: Orphanet 2512, MedGen C1837501, MONDO:0012106, OMIM 608716.
Inborn genetic diseases. Identifiers: MedGen C0950123, MeSH D030342.

Allele frequency attached by ClinVar (database versions not stated): gnomAD 0.00002; TOPMed 0.00002; ExAC 0.00003; gnomAD exomes 0.00004 and 0.00005.
gnomAD v4.1: 76 of 1,589,228 alleles (0.0048%); highest among the groups gnomAD compares: Middle Eastern, 0.033%; no homozygotes.

Submissions (5):

Ambry Genetics
Classification: Uncertain significance for Inborn genetic diseases. Last evaluated: 2024-11-08. Review status: criteria provided, single submitter. Criteria: Ambry Variant Classification Scheme 2023. Collection method: clinical testing. Allele origin: germline.

Labcorp Genetics (formerly Invitae), Labcorp
Classification: Uncertain significance. Last evaluated: 2023-12-11. Review status: criteria provided, single submitter. Criteria: Invitae Variant Classification Sherloc (09022015). Collection method: clinical testing. Allele origin: germline.
Comment: This sequence change replaces isoleucine, which is neutral and non-polar, with lysine, which is basic and polar, at codon 644 of the ASPM protein (p.Ile644Lys). This variant is present in population databases (rs759534488, gnomAD 0.007%). This variant has not been reported in the literature in individuals affected with ASPM-related conditions. ClinVar contains an entry for this variant (Variation ID: 1029516). Advanced modeling of protein sequence and biophysical properties (such as structural, functional, and spatial information, amino acid conservation, physicochemical variation, residue mobility, and thermodynamic stability) performed at Invitae indicates that this missense variant is not expected to disrupt ASPM protein function with a negative predictive value of 80%. In summary, the available evidence is currently insufficient to determine the role of this variant in disease. Therefore, it has been classified as a Variant of Uncertain Significance.

Genome-Nilou Lab
Classification: Uncertain significance for Microcephaly 5, primary, autosomal recessive. Last evaluated: 2023-04-11. Review status: criteria provided, single submitter. Criteria: ACMG Guidelines, 2015. Collection method: clinical testing. Allele origin: germline. Affected: no.

GeneDx
Classification: Uncertain significance. Last evaluated: 2022-09-12. Review status: criteria provided, single submitter. Criteria: GeneDx Variant Classification Process June 2021. Collection method: clinical testing. Allele origin: germline. Affected: yes.
Comment: Not observed at significant frequency in large population cohorts (gnomAD); In silico analysis supports that this missense variant does not alter protein structure/function; Has not been previously published as pathogenic or benign to our knowledge

Baylor Genetics
Classification: Uncertain significance for Microcephaly 5, primary, autosomal recessive. Last evaluated: 2019-11-15. Review status: criteria provided, single submitter. Criteria: ACMG Guidelines, 2015. Collection method: clinical testing. Allele origin: unknown. Affected: yes.
Comment: This variant was determined to be of uncertain significance according to ACMG Guidelines, 2015 [PMID:25741868].